The following is an entry in ClinVar:

ClinVar aggregate classification (germline): Benign/Likely benign. Review status: criteria provided, multiple submitters, no conflicts (2 of 4 stars). 5 submissions from 5 submitters: Benign (3); Likely benign (1). 1 of the submissions does not count toward it. Last evaluated 2026-01-23.

Conditions:
Cone-rod dystrophy 7 (CORD7). Identifiers: Orphanet 1872, MedGen C1863634, MONDO:0011355, OMIM 603649.

Allele frequency attached by ClinVar (database versions not stated): gnomAD exomes 0.00054 and 0.00128; ExAC 0.00285; gnomAD 0.00517 and 0.00550; ESP Exome Variant Server 0.00571; TOPMed 0.00583; 1000 Genomes Project 0.00599; 1000 Genomes Project 30x 0.00703.
gnomAD v4.1: 1,618 of 1,598,152 alleles (0.1%); highest among the groups gnomAD compares: African/African-American, 1.9%; 14 homozygotes.

Submissions (5):

Labcorp Genetics (formerly Invitae), Labcorp
Classification: Benign. Last evaluated: 2026-01-23. Review status: criteria provided, single submitter. Criteria: Invitae Variant Classification Sherloc (09022015). Collection method: clinical testing. Allele origin: germline.

Blueprint Genetics
Classification: Likely benign. Last evaluated: 2024-09-11. Review status: criteria provided, single submitter. Criteria: ACMG Guidelines, 2015. Collection method: clinical testing. Allele origin: germline.

Illumina Laboratory Services, Illumina
Classification: Benign for Cone-rod dystrophy 7. Last evaluated: 2018-01-12. Review status: criteria provided, single submitter. Criteria: ICSL Variant Classification Criteria 13 December 2019. Collection method: clinical testing. Allele origin: germline.
Comment: This variant was observed in the ICSL laboratory as part of a predisposition screen in an ostensibly healthy population. It had not been previously curated by ICSL or reported in the Human Gene Mutation Database (HGMD: prior to June 1st, 2018), and was therefore a candidate for classification through an automated scoring system. Utilizing variant allele frequency, disease prevalence and penetrance estimates, and inheritance mode, an automated score was calculated to assess if this variant is too frequent to cause the disease. Based on the score and internal cut-off values, a variant classified as benign is not then subjected to further curation. The score for this variant resulted in a classification of benign for this disease.

Clinical Genetics DNA and cytogenetics Diagnostics Lab, Erasmus MC, Erasmus Medical Center
Classification: Benign for Cone-rod dystrophy 7. Last evaluated: 2017-06-28. Review status: criteria provided, single submitter. Criteria: ACGS Guidelines, 2013. Collection method: clinical testing. Allele origin: germline. Affected: yes. Study: VKGL Data-share Consensus.

Clinical Genetics, Academic Medical Center
Classification: Benign. Review status: no assertion criteria provided. Collection method: clinical testing. Allele origin: germline. Affected: yes. Study: VKGL Data-share Consensus. Not counted in ClinVar's aggregate classification.

NM_014989.7(RIMS1):c.2670T>C (p.His890=)

Gene: RIMS1 (regulating synaptic membrane exocytosis 1; plus strand). Cytogenetic location: 6q13.
Variant type: single nucleotide variant.
Coding change: c.2670T>C on transcript NM_014989.7 (MANE Select); coding-DNA position 2670, T replaced by C.
Protein change: p.His890=; no amino-acid change (histidine 890 retained).
Molecular consequence: synonymous variant.
Genome position (GRCh38, 1-based): chr6:72,251,340, T>C. VCF-style: chr6-72251340-T-C. GRCh37 (hg19) VCF-style: chr6-72961043-T-C.
Other names: c.1092T>C, p.His364= (NM_001168407.2, NM_001168408.2, NM_001350414.2 and 37 more transcripts); c.849T>C, p.His283= (NM_001168409.2, NM_001350461.2, NM_001350463.2 and 6 more transcripts); c.1047T>C, p.His349= (NM_001168410.2, NM_001350470.2, NM_001350472.2 and 2 more transcripts); c.1023T>C, p.His341= (NM_001350421.2, NM_001350424.2, NM_001350428.2 and 6 more transcripts).
Identifiers: ClinVar variation 357847 (VCV000357847.19), dbSNP rs34821160, ClinGen allele CA3885998.